The following is an entry in ClinVar:

ClinVar aggregate classification (germline): Benign (1 of 4 stars; one submission).

Allele frequency attached by ClinVar (database versions not stated): ESP Exome Variant Server 0.30957; gnomAD exomes 0.32366; gnomAD 0.33144; TOPMed 0.34099; ExAC 0.34926; 1000 Genomes Project 30x 0.35899; 1000 Genomes Project 0.36222.
gnomAD v4.1: 520,651 of 1,601,054 alleles (33%); highest among the groups gnomAD compares: East Asian, 53%; 86,159 homozygotes.

Submission:

Unidad de Genómica Garrahan, Hospital de Pediatría Garrahan
Classification: Benign. Last evaluated: 2024-01-24. Review status: criteria provided, single submitter. Criteria: ACMG Guidelines, 2015. Collection method: clinical testing. Allele origin: germline. Affected: no. Observed: 53 variant alleles.
Comment: This variant is classified as Benign based on local population frequency. This variant was detected in 56% of patients studied by a panel of primary immunodeficiencies. Number of patients: 53. Only high quality variants are reported.

NM_017491.5(WDR1):c.952-34A>C

Gene: WDR1 (WD repeat domain 1; minus strand). Cytogenetic location: 4p16.1.
Variant type: single nucleotide variant.
Coding change: c.952-34A>C on transcript NM_017491.5 (MANE Select); 34 bases into the intron before coding-DNA position 952, A replaced by C.
Molecular consequence: intron variant.
Genome position (GRCh38, 1-based): chr4:10,084,564, T>G on the plus strand (A>C on the coding strand, the complement: WDR1 is on the minus strand). VCF-style: chr4-10084564-T-G. GRCh37 (hg19) VCF-style: chr4-10086188-T-G.
Other names: c.532-34A>C (NM_005112.5).
Identifiers: ClinVar variation 2688088 (VCV002688088.2), dbSNP rs2241475, ClinGen allele CA2857841.